The following is an entry in ClinVar:

NM_001365536.1(SCN9A):c.-92G>T

Gene: SCN9A (sodium voltage-gated channel alpha subunit 9; minus strand). Cytogenetic location: 2q24.3.
Variant type: single nucleotide variant.
Coding change: c.-92G>T on transcript NM_001365536.1 (MANE Select); 92 bases upstream of the start codon, G replaced by T.
Molecular consequence: 5 prime UTR variant.
Genome position (GRCh38, 1-based): chr2:166,375,738, C>A on the plus strand (G>T on the coding strand, the complement: SCN9A is on the minus strand). VCF-style: chr2-166375738-C-A. GRCh37 (hg19) VCF-style: chr2-167232248-C-A.
Other names: c.-92G>T (NM_002977.4).
Identifiers: ClinVar variation 892956 (VCV000892956.4), dbSNP rs569406301, ClinGen allele CA59846963.

ClinVar aggregate classification (germline): Conflicting classifications of pathogenicity. Review status: criteria provided, conflicting classifications (1 of 4 stars). 3 submissions from 1 submitter: Uncertain significance (1); Benign (2). Last evaluated 2018-01-12.

Conditions:
Channelopathy-associated congenital insensitivity to pain, autosomal recessive. Also called: Insensitivity to pain, channelopathy-associated; ASYMBOLIA FOR PAIN; CONGENITAL ANALGESIA, AUTOSOMAL RECESSIVE. Identifiers: Orphanet 88642, Orphanet 970, MedGen C1855739, MONDO:0009459, OMIM 243000.
Paroxysmal extreme pain disorder (PEXPD). Also called: PAIN, SUBMANDIBULAR, OCULAR, AND RECTAL, WITH FLUSHING; RECTAL PAIN, FAMILIAL; SCN9A Paroxysmal Extreme Pain Disorder (SCN9A-PEPD). Identifiers: Orphanet 46348, MedGen C1833661, MONDO:0008179, OMIM 167400.
Primary erythromelalgia. Also called: SCN9A Erythromelalgia (SCN9A-EM); primary erythermalgia. Identifiers: Orphanet 306577, Orphanet 90026, MedGen C0014805, MONDO:0007571, OMIM 133020.

Allele frequency attached by ClinVar (database versions not stated): TOPMed 0.00012; 1000 Genomes Project 30x 0.00031; 1000 Genomes Project 0.00040.

Submissions (3):

Illumina Laboratory Services, Illumina
Classification: Benign for Primary erythromelalgia. Last evaluated: 2018-01-12. Review status: criteria provided, single submitter. Criteria: ICSL Variant Classification Criteria 13 December 2019. Collection method: clinical testing. Allele origin: germline.
Comment: This variant was observed in the ICSL laboratory as part of a predisposition screen in an ostensibly healthy population. It had not been previously curated by ICSL or reported in the Human Gene Mutation Database (HGMD: prior to June 1st, 2018), and was therefore a candidate for classification through an automated scoring system. Utilizing variant allele frequency, disease prevalence and penetrance estimates, and inheritance mode, an automated score was calculated to assess if this variant is too frequent to cause the disease. Based on the score and internal cut-off values, a variant classified as benign is not then subjected to further curation. The score for this variant resulted in a classification of benign for this disease.

Illumina Laboratory Services, Illumina
Classification: Benign for Paroxysmal extreme pain disorder. Last evaluated: 2018-01-12. Review status: criteria provided, single submitter. Criteria: ICSL Variant Classification Criteria 13 December 2019. Collection method: clinical testing. Allele origin: germline.
Comment: the same text as in the submission from Illumina Laboratory Services, Illumina above.

Illumina Laboratory Services, Illumina
Classification: Uncertain significance for Channelopathy-associated congenital insensitivity to pain, autosomal recessive. Last evaluated: 2018-01-12. Review status: criteria provided, single submitter. Criteria: ICSL Variant Classification Criteria 13 December 2019. Collection method: clinical testing. Allele origin: germline.